The following is an entry in ClinVar:

ClinVar aggregate classification (germline): Pathogenic (1 of 4 stars; one submission).

Conditions:
Hypohidrotic X-linked ectodermal dysplasia (XHED). Also called: Ectodermal Dysplasia 1, Anhidrotic; ECTODERMAL DYSPLASIA, HYPOHIDROTIC, 1; CST SYNDROME; ECTODERMAL DYSPLASIA 1; Christ-Siemans-Touraine syndrome; Anhidrotic ectodermal dysplasia X-linked. Identifiers: Orphanet 181, Orphanet 238468, MedGen C0162359, MONDO:0010585, OMIM 305100.

Submission:

Labcorp Genetics (formerly Invitae), Labcorp
Classification: Pathogenic for Hypohidrotic X-linked ectodermal dysplasia. Last evaluated: 2022-06-20. Review status: criteria provided, single submitter. Criteria: Invitae Variant Classification Sherloc (09022015). Collection method: clinical testing. Allele origin: germline.
Comment: For these reasons, this variant has been classified as Pathogenic. This variant disrupts a region of the EDA protein in which other variant(s) (p.Thr378Met) have been determined to be pathogenic (PMID: 11279189, 11378824, 12991204, 24648697). This suggests that this is a clinically significant region of the protein, and that variants that disrupt it are likely to be disease-causing. This variant has not been reported in the literature in individuals affected with EDA-related conditions. This variant is not present in population databases (gnomAD no frequency). This sequence change creates a premature translational stop signal (p.Ala367Valfs*10) in the EDA gene. While this is not anticipated to result in nonsense mediated decay, it is expected to disrupt the last 25 amino acid(s) of the EDA protein.

Literature cited by the submitters: PubMed 11279189; PubMed 11378824; PubMed 12991204; PubMed 24648697.

NM_001399.5(EDA):c.1100delinsTCAAGATGG (p.Ala367fs)

Gene: EDA (ectodysplasin A; plus strand). Cytogenetic location: Xq13.1.
Variant type: Indel.
Coding change: c.1100delinsTCAAGATGG on transcript NM_001399.5 (MANE Select); coding-DNA position 1100, C replaced by TCAAGATGG.
Protein change: p.Ala367fs; shifts the reading frame from alanine 367.
Molecular consequence: frameshift variant.
Genome position (GRCh38, 1-based): chrX:70,035,533, C replaced by TCAAGATGG. VCF-style: chrX-70035533-C-TCAAGATGG. GRCh37 (hg19) VCF-style: chrX-69255383-C-TCAAGATGG.
Other names: c.1094delinsTCAAGATGG, p.Ala365fs (NM_001005609.2); c.1085delinsTCAAGATGG, p.Ala362fs (NM_001005612.3); short protein forms A365fs, A367fs, A362fs.
Identifiers: ClinVar variation 458653 (VCV000458653.5), dbSNP rs1556110934, ClinGen allele CA658659006.